The following is an entry in ClinVar:

ClinVar aggregate classification (germline): Uncertain significance (1 of 4 stars; one submission).

Conditions:
Charcot-Marie-Tooth disease type 2. Also called: Charcot-Marie-Tooth type 2. Identifiers: Orphanet 64746, MedGen C0270914, MONDO:0018993.

gnomAD v4.1: 1 of 1,613,618 alleles (0.000062%); highest among the groups gnomAD compares: South Asian, 0.0011%; no homozygotes.

Submission:

Labcorp Genetics (formerly Invitae), Labcorp
Classification: Uncertain significance for Charcot-Marie-Tooth disease type 2. Last evaluated: 2024-06-05. Review status: criteria provided, single submitter. Criteria: Invitae Variant Classification Sherloc (09022015). Collection method: clinical testing. Allele origin: germline.
Comment: This sequence change replaces aspartic acid, which is acidic and polar, with valine, which is neutral and non-polar, at codon 709 of the AARS protein (p.Asp709Val). This variant is not present in population databases (gnomAD no frequency). This variant has not been reported in the literature in individuals affected with AARS-related conditions. An algorithm developed to predict the effect of missense changes on protein structure and function (PolyPhen-2) suggests that this variant is likely to be disruptive. In summary, the available evidence is currently insufficient to determine the role of this variant in disease. Therefore, it has been classified as a Variant of Uncertain Significance.

NM_001605.3(AARS1):c.2126A>T (p.Asp709Val)

Gene: AARS1 (alanyl-tRNA synthetase 1; minus strand). Cytogenetic location: 16q22.1.
Variant type: single nucleotide variant.
Coding change: c.2126A>T on transcript NM_001605.3 (MANE Select); coding-DNA position 2126, A replaced by T.
Protein change: p.Asp709Val; replaces aspartic acid 709 with valine.
Molecular consequence: missense variant.
Genome position (GRCh38, 1-based): chr16:70,258,084, T>A on the plus strand (A>T on the coding strand, the complement: AARS1 is on the minus strand). VCF-style: chr16-70258084-T-A. GRCh37 (hg19) VCF-style: chr16-70291987-T-A.
Other names: short protein forms D709V.
Identifiers: ClinVar variation 3695502 (VCV003695502.2).